The following is an entry in ClinVar:

ClinVar aggregate classification (germline): Conflicting classifications of pathogenicity. Review status: criteria provided, conflicting classifications (1 of 4 stars). 2 submissions from 2 submitters: Uncertain significance (1); Likely benign (1). Last evaluated 2025-10-23.

Conditions:
Inborn genetic diseases. Identifiers: MedGen C0950123, MeSH D030342.

Allele frequency attached by ClinVar (database versions not stated): gnomAD exomes below 0.00001; gnomAD 0.00001.
gnomAD v4.1: 3 of 1,515,048 alleles (0.0002%); highest among the groups gnomAD compares: Admixed American, 0.002%; no homozygotes.

Submissions (2):

Ambry Genetics
Classification: Likely benign for Inborn genetic diseases. Last evaluated: 2025-10-23. Review status: criteria provided, single submitter. Criteria: Ambry Variant Classification Scheme 2023. Collection method: clinical testing. Allele origin: germline.

Labcorp Genetics (formerly Invitae), Labcorp
Classification: Uncertain significance. Last evaluated: 2022-02-04. Review status: criteria provided, single submitter. Criteria: Invitae Variant Classification Sherloc (09022015). Collection method: clinical testing. Allele origin: germline.
Comment: Algorithms developed to predict the effect of missense changes on protein structure and function output the following: SIFT: "Tolerated"; PolyPhen-2: "Benign"; Align-GVGD: "Class C0". The glutamine amino acid residue is found in multiple mammalian species, which suggests that this missense change does not adversely affect protein function. This variant has not been reported in the literature in individuals affected with TONSL-related conditions. The frequency data for this variant in the population databases is considered unreliable, as metrics indicate poor data quality at this position in the gnomAD database. This sequence change replaces arginine, which is basic and polar, with glutamine, which is neutral and polar, at codon 1335 of the TONSL protein (p.Arg1335Gln). In summary, the available evidence is currently insufficient to determine the role of this variant in disease. Therefore, it has been classified as a Variant of Uncertain Significance.

NM_013432.5(TONSL):c.4004G>A (p.Arg1335Gln)

Gene: TONSL (tonsoku like, DNA repair protein; minus strand). Cytogenetic location: 8q24.3.
Variant type: single nucleotide variant.
Coding change: c.4004G>A on transcript NM_013432.5 (MANE Select); coding-DNA position 4004, G replaced by A.
Protein change: p.Arg1335Gln; replaces arginine 1335 with glutamine.
Molecular consequence: missense variant.
Genome position (GRCh38, 1-based): chr8:144,429,276, C>T on the plus strand (G>A on the coding strand, the complement: TONSL is on the minus strand). VCF-style: chr8-144429276-C-T. GRCh37 (hg19) VCF-style: chr8-145654659-C-T.
Other names: c.4004G>A (NM_013432.4); short protein forms R1335Q.
Identifiers: ClinVar variation 1511017 (VCV001511017.7), dbSNP rs1554878076, ClinGen allele CA372637623.